The following is an entry in ClinVar:

ClinVar aggregate classification (germline): Uncertain significance (1 of 4 stars; one submission).

Conditions:
Pitt-Hopkins-like syndrome 2 (PTHSL2). Identifiers: Orphanet 221150, Orphanet 600663, MedGen C3280479, MONDO:0013690, OMIM 614325.

Submission:

Labcorp Genetics (formerly Invitae), Labcorp
Classification: Uncertain significance for Pitt-Hopkins-like syndrome 2. Last evaluated: 2023-02-13. Review status: criteria provided, single submitter. Criteria: Invitae Variant Classification Sherloc (09022015). Collection method: clinical testing. Allele origin: germline.
Comment: In summary, the available evidence is currently insufficient to determine the role of this variant in disease. Therefore, it has been classified as a Variant of Uncertain Significance. Variants that disrupt the consensus splice site are a relatively common cause of aberrant splicing (PMID: 17576681, 9536098). Algorithms developed to predict the effect of sequence changes on RNA splicing suggest that this variant may disrupt the consensus splice site. ClinVar contains an entry for this variant (Variation ID: 1411082). This variant has not been reported in the literature in individuals affected with NRXN1-related conditions. This variant is not present in population databases (gnomAD no frequency). This sequence change affects codon 480 of the NRXN1 mRNA. It is a 'silent' change, meaning that it does not change the encoded amino acid sequence of the NRXN1 protein. This variant also falls at the last nucleotide of exon 9, which is part of the consensus splice site for this exon.

Literature cited by the submitters: PubMed 17576681; PubMed 9536098.

NM_001330078.2(NRXN1):c.1320G>A (p.Glu440=)

Gene: NRXN1 (neurexin 1; minus strand). Cytogenetic location: 2p16.3.
Variant type: single nucleotide variant.
Coding change: c.1320G>A on transcript NM_001330078.2 (MANE Select); coding-DNA position 1320, G replaced by A.
Protein change: p.Glu440=; no amino-acid change (glutamic acid 440 retained).
Molecular consequence: synonymous variant.
Genome position (GRCh38, 1-based): chr2:50,620,022, C>T on the plus strand (G>A on the coding strand, the complement: NRXN1 is on the minus strand). VCF-style: chr2-50620022-C-T. GRCh37 (hg19) VCF-style: chr2-50847160-C-T.
Other names: c.1440G>A, p.Glu480= (NM_001135659.3); c.1296G>A, p.Glu432= (NM_001330077.2, NM_001330082.2, NM_001330095.2); c.1281G>A, p.Glu427= (NM_001330083.2, NM_001330084.2); c.1320G>A, p.Glu440= (NM_001330085.2, NM_001330086.2, NM_004801.6); c.1236G>A, p.Glu412= (NM_001330087.2, NM_001330096.2); c.1266G>A, p.Glu422= (NM_001330088.2); c.1317G>A, p.Glu439= (NM_001330093.2); c.1308G>A, p.Glu436= (NM_001330094.2).
Identifiers: ClinVar variation 1411082 (VCV001411082.6), dbSNP rs2104239789, ClinGen allele CA426128644.